The following is an entry in ClinVar:

ClinVar aggregate classification (germline): Uncertain significance (1 of 4 stars; one submission).

Conditions:
Gorlin syndrome. Also called: Nevoid Basal Cell Carcinoma Syndrome; Basal cell nevus syndrome. Identifiers: Orphanet 377, MedGen C0004779, MONDO:0007187.

Allele frequency attached by ClinVar (database versions not stated): gnomAD exomes 0.00001; ExAC 0.00002; TOPMed 0.00002.
gnomAD v4.1: 16 of 1,614,202 alleles (0.00099%); highest among the groups gnomAD compares: East Asian, 0.0022%; no homozygotes.

Submission:

Labcorp Genetics (formerly Invitae), Labcorp
Classification: Uncertain significance for Gorlin syndrome. Last evaluated: 2025-04-30. Review status: criteria provided, single submitter. Criteria: Invitae Variant Classification Sherloc (09022015). Collection method: clinical testing. Allele origin: germline.
Comment: This sequence change replaces arginine, which is basic and polar, with cysteine, which is neutral and slightly polar, at codon 358 of the PTCH2 protein (p.Arg358Cys). This variant is present in population databases (rs769612965, gnomAD 0.01%). This variant has not been reported in the literature in individuals affected with PTCH2-related conditions. ClinVar contains an entry for this variant (Variation ID: 2157156). Invitae Evidence Modeling of protein sequence and biophysical properties (such as structural, functional, and spatial information, amino acid conservation, physicochemical variation, residue mobility, and thermodynamic stability) indicates that this missense variant is not expected to disrupt PTCH2 protein function with a negative predictive value of 80%. In summary, the available evidence is currently insufficient to determine the role of this variant in disease. Therefore, it has been classified as a Variant of Uncertain Significance.

NM_003738.5(PTCH2):c.1072C>T (p.Arg358Cys)

Gene: PTCH2 (patched 2; minus strand). Cytogenetic location: 1p34.1.
Variant type: single nucleotide variant.
Coding change: c.1072C>T on transcript NM_003738.5 (MANE Select); coding-DNA position 1072, C replaced by T.
Protein change: p.Arg358Cys; replaces arginine 358 with cysteine.
Molecular consequence: missense variant.
Genome position (GRCh38, 1-based): chr1:44,829,625, G>A on the plus strand (C>T on the coding strand, the complement: PTCH2 is on the minus strand). VCF-style: chr1-44829625-G-A. GRCh37 (hg19) VCF-style: chr1-45295297-G-A.
Other names: c.1072C>T, p.Arg358Cys (NM_001166292.2); short protein forms R358C.
Identifiers: ClinVar variation 2157156 (VCV002157156.4), dbSNP rs769612965, ClinGen allele CA823450.